The following is an entry in ClinVar:

ClinVar aggregate classification (germline): Uncertain significance (1 of 4 stars; one submission).

Conditions:
Hereditary cancer-predisposing syndrome. Also called: Hereditary neoplastic syndrome; Neoplastic Syndromes, Hereditary; Hereditary Cancer Syndrome; Tumor predisposition. Identifiers: Orphanet 140162, MedGen C0027672, MeSH D009386, MONDO:0015356.

Submission:

Labcorp Genetics (formerly Invitae), Labcorp
Classification: Uncertain significance for Hereditary cancer-predisposing syndrome. Last evaluated: 2023-12-08. Review status: criteria provided, single submitter. Criteria: Invitae Variant Classification Sherloc (09022015). Collection method: clinical testing. Allele origin: germline.
Comment: This sequence change replaces leucine, which is neutral and non-polar, with arginine, which is basic and polar, at codon 347 of the RAD50 protein (p.Leu347Arg). This variant is not present in population databases (gnomAD no frequency). This variant has not been reported in the literature in individuals affected with RAD50-related conditions. Advanced modeling of protein sequence and biophysical properties (such as structural, functional, and spatial information, amino acid conservation, physicochemical variation, residue mobility, and thermodynamic stability) performed at Invitae indicates that this missense variant is expected to disrupt RAD50 protein function with a positive predictive value of 80%. In summary, the available evidence is currently insufficient to determine the role of this variant in disease. Therefore, it has been classified as a Variant of Uncertain Significance.

NM_005732.4(RAD50):c.1040T>G (p.Leu347Arg)

Gene: RAD50 (RAD50 double strand break repair protein; plus strand). Cytogenetic location: 5q31.1.
Variant type: single nucleotide variant.
Coding change: c.1040T>G on transcript NM_005732.4 (MANE Select); coding-DNA position 1040, T replaced by G.
Protein change: p.Leu347Arg; replaces leucine 347 with arginine.
Molecular consequence: missense variant.
Genome position (GRCh38, 1-based): chr5:132,588,078, T>G. VCF-style: chr5-132588078-T-G. GRCh37 (hg19) VCF-style: chr5-131923770-T-G.
Other names: short protein forms L347R.
Identifiers: ClinVar variation 2701460 (VCV002701460.3), dbSNP rs1750629036, ClinGen allele CA360941675.